The following is an entry in ClinVar:

ClinVar aggregate classification (germline): Conflicting classifications of pathogenicity. Review status: criteria provided, conflicting classifications (1 of 4 stars). 3 submissions from 3 submitters: Uncertain significance (1); Likely benign (2). Last evaluated 2026-08-01.

Conditions:
Rhizomelic chondrodysplasia punctata type 2 (RCDP2). Also called: DIHYDROXYACETONEPHOSPHATE ACYLTRANSFERASE DEFICIENCY; glyceronephosphate O-acyltransferase (GNPAT) deficiency; Glyceronephosphate O-acyltransferase deficiency; DHAPAT DEFICIENCY; PEROXISOMAL DIHYDROXYACETONEPHOSPHATE ACYLTRANSFERASE DEFICIENCY; Chondrodysplasia punctata, rhizomelic, due to dihydroxyacetonephosphate acyltransferase deficiency. Identifiers: Orphanet 177, Orphanet 309796, MedGen C1857242, MONDO:0100273, OMIM 222765. Disease mechanism: loss of function.

Allele frequency attached by ClinVar (database versions not stated): gnomAD 0.00013; 1000 Genomes Project 30x 0.00016; 1000 Genomes Project 0.00020; TOPMed 0.00004.
gnomAD v4.1: 58 of 1,612,326 alleles (0.0036%); highest among the groups gnomAD compares: East Asian, 0.011%; no homozygotes.

Submissions (3):

CeGaT Center for Human Genetics Tuebingen
Classification: Likely benign. Last evaluated: 2026-08-01. Review status: criteria provided, single submitter. Criteria: CeGaT Center For Human Genetics Tuebingen Variant Classification Criteria Version 2. Collection method: clinical testing. Allele origin: germline. Affected: yes. Observed: 1 variant allele.
Comment: GNPAT: BP4, BP7

Labcorp Genetics (formerly Invitae), Labcorp
Classification: Likely benign. Last evaluated: 2025-11-13. Review status: criteria provided, single submitter. Criteria: Invitae Variant Classification Sherloc (09022015). Collection method: clinical testing. Allele origin: germline.

Illumina Laboratory Services, Illumina
Classification: Uncertain significance for Rhizomelic chondrodysplasia punctata type 2. Last evaluated: 2018-01-12. Review status: criteria provided, single submitter. Criteria: ICSL Variant Classification Criteria 13 December 2019. Collection method: clinical testing. Allele origin: germline.

NM_014236.4(GNPAT):c.1890C>T (p.Asn630=)

Gene: GNPAT (glyceronephosphate O-acyltransferase; plus strand). Cytogenetic location: 1q42.2.
Variant type: single nucleotide variant.
Coding change: c.1890C>T on transcript NM_014236.4 (MANE Select); coding-DNA position 1890, C replaced by T.
Protein change: p.Asn630=; no amino-acid change (asparagine 630 retained).
Molecular consequence: synonymous variant.
Genome position (GRCh38, 1-based): chr1:231,275,451, C>T. VCF-style: chr1-231275451-C-T. GRCh37 (hg19) VCF-style: chr1-231411197-C-T.
Other names: c.1707C>T, p.Asn569= (NM_001316350.2).
Identifiers: ClinVar variation 296135 (VCV000296135.9), dbSNP rs201916449, ClinGen allele CA1452157.